The following is an entry in ClinVar:

NM_007294.3(BRCA1):c.4358-?_5277+?del

Gene: BRCA1 (BRCA1 DNA repair associated; minus strand). Cytogenetic location: 17q21.31.
Variant type: Deletion.
Coding change: c.4358-?_5277+?del on transcript NM_007294.3.
Other names: Deletion Exons 13-19; c.4358-?_5277+?del (LRG_292t1).
Identifiers: ClinVar variation 89063 (VCV000089063.4).

ClinVar aggregate classification (germline): Pathogenic. Review status: criteria provided, multiple submitters, no conflicts (2 of 4 stars). 5 submissions from 5 submitters: Pathogenic (4). 1 of the submissions does not count toward it. Last evaluated 2017-04-10.

Conditions:
Hereditary breast ovarian cancer syndrome. Also called: BRCA1- and BRCA2-Associated Hereditary Breast and Ovarian Cancer; Hereditary breast and ovarian cancer syndrome; Hereditary breast and ovarian cancer syndrome (HBOC); Breast and ovarian cancer; Hereditary breast and/or ovarian cancer syndrome; Hereditary breast and ovarian cancer. Identifiers: Orphanet 145, MedGen C0677776, MeSH D061325, MONDO:0003582. Disease mechanism: loss of function.
Breast-ovarian cancer, familial, susceptibility to, 1 (BROVCA1). Also called: BRCA1 Hereditary Breast and Ovarian Cancer; OVARIAN CANCER, SUSCEPTIBILITY TO. Identifiers: Orphanet 145, MedGen C2676676, MONDO:0011450, OMIM 604370. Disease mechanism: loss of function.
Familial cancer of breast. Also called: hereditary breast carcinoma; BREAST CANCER, FAMILIAL; Hereditary breast cancer. Identifiers: Orphanet 227535, MedGen C0346153, MONDO:0016419, OMIM 114480. Disease mechanism: loss of function.

Submissions (5):

Women's Health and Genetics/Laboratory Corporation of America, LabCorp
Classification: Pathogenic for Hereditary breast ovarian cancer syndrome. Last evaluated: 2017-04-10. Review status: criteria provided, single submitter. Criteria: LabCorp Variant Classification Summary - May 2015. Collection method: clinical testing. Allele origin: germline.
Comment: Variant summary: This variant identified by the MLPA technology involves the deletion of exons 13-19 (legacy name exons 14-20) in the BRCA1 gene. A presumed nomenclature of c.4358_5277del has been designated for the purposes of this classification. Although the exact breakpoints of this deletion are not known, it is expected to result in a frameshift change in the BRCA1 gene, a known mechanism of disease. Deletion variants spanning exons 13-19 of the BRCA1 gene have been reportedly identified in at least 15 breast cancer and/or hereditary cancer multigene panel testing patients (Judkins_2012, Smith_2011, Walsh_2010, Weitzel_2007). One reputable database classified this variant as pathogenic. Taken together, this variant is classified as pathogenic.

Consortium of Investigators of Modifiers of BRCA1/2 (CIMBA), c/o University of Cambridge
Classification: Pathogenic for Breast-ovarian cancer, familial, susceptibility to, 1. Last evaluated: 2015-10-02. Review status: criteria provided, single submitter. Criteria: CIMBA Mutation Classification guidelines May 2016. Collection method: clinical testing. Allele origin: germline.

Department of Pathology and Laboratory Medicine, Sinai Health System
Classification: Pathogenic for Hereditary breast ovarian cancer syndrome. Last evaluated: 2014-01-10. Review status: criteria provided, single submitter. Criteria: ACMG Guidelines, 2015. Collection method: clinical testing. Allele origin: germline. Affected: yes. Study: The Canadian Open Genetics Repository (COGR).

GeneDx
Classification: Pathogenic for Familial cancer of breast. Review status: criteria provided, single submitter. Criteria: GeneDx Variant Classification (06012015). Collection method: clinical testing. Allele origin: germline.
Comment: whole or partial BRCA1 and BRCA2 large deletions and duplications have been reported in approximately 6-10% of individuals with BRCA-associated Hereditary Breast and Ovarian Cancer (Judkins 2012)

Labcorp Genetics (formerly Invitae), Labcorp
Classification: Pathogenic for BRCA1 and BRCA2 Hereditary Breast and Ovarian Cancer. Last evaluated: 2014-03-27. Review status: no assertion criteria provided. Collection method: clinical testing. Allele origin: germline. Affected: no. Not counted in ClinVar's aggregate classification.
Comment: This deletion affects exons 13-19 of the BRCA1 gene and is expected to result in an absent or disrupted protein product. Truncating sequence changes in BRCA1 are known to be pathogenic.

Literature cited by the submitters: PubMed 21281505 (cited by Women's Health and Genetics/Laboratory Corporation of America, LabCorp); PubMed 17646271 (cited by Women's Health and Genetics/Laboratory Corporation of America, LabCorp); PubMed 20616022 (cited by Women's Health and Genetics/Laboratory Corporation of America, LabCorp); PubMed 22544547 (cited by Women's Health and Genetics/Laboratory Corporation of America, LabCorp and Department of Pathology and Laboratory Medicine, Sinai Health System); PubMed 12960223 (cited by Department of Pathology and Laboratory Medicine, Sinai Health System).